The following is an entry in ClinVar:

ClinVar aggregate classification (germline): Uncertain significance (1 of 4 stars; one submission).

Conditions:
H syndrome. Also called: FAISALABAD HISTIOCYTOSIS; Pigmented hypertrichosis and insulin-dependent diabetes mellitus; HISTIOCYTOSIS AND LYMPHADENOPATHY WITH OR WITHOUT CUTANEOUS, CARDIAC, AND/OR ENDOCRINE FEATURES, JOINT CONTRACTURES, AND/OR DEAFNESS; HYPERPIGMENTATION, CUTANEOUS, WITH HYPERTRICHOSIS, HEPATOSPLENOMEGALY, HEART ANOMALIES, AND HYPOGONADISM WITH OR WITHOUT HEARING LOSS; PIGMENTED HYPERTRICHOSIS WITH INSULIN-DEPENDENT DIABETES MELLITUS; ROSAI-DORFMAN DISEASE, FAMILIAL. Identifiers: Orphanet 168569, MedGen C1864445, MONDO:0011273, OMIM 602782.

Allele frequency attached by ClinVar (database versions not stated): gnomAD exomes below 0.00001; TOPMed below 0.00001.
gnomAD v4.1: 7 of 1,607,182 alleles (0.00044%); highest among the groups gnomAD compares: Non-Finnish European, 0.00017%; no homozygotes.

Submission:

Labcorp Genetics (formerly Invitae), Labcorp
Classification: Uncertain significance for H syndrome. Last evaluated: 2023-12-22. Review status: criteria provided, single submitter. Criteria: Invitae Variant Classification Sherloc (09022015). Collection method: clinical testing. Allele origin: germline.
Comment: This sequence change falls in intron 4 of the SLC29A3 gene. It does not directly change the encoded amino acid sequence of the SLC29A3 protein. It affects a nucleotide within the consensus splice site. This variant is present in population databases (no rsID available, gnomAD 0.01%). This variant has not been reported in the literature in individuals affected with SLC29A3-related conditions. ClinVar contains an entry for this variant (Variation ID: 1374761). Variants that disrupt the consensus splice site are a relatively common cause of aberrant splicing (PMID: 17576681, 9536098). Algorithms developed to predict the effect of sequence changes on RNA splicing suggest that this variant is not likely to affect RNA splicing. In summary, the available evidence is currently insufficient to determine the role of this variant in disease. Therefore, it has been classified as a Variant of Uncertain Significance.

Literature cited by the submitters: PubMed 17576681; PubMed 9536098.

NM_018344.6(SLC29A3):c.610+6A>G

Gene: SLC29A3 (solute carrier family 29 member 3; plus strand). Cytogenetic location: 10q22.1.
Variant type: single nucleotide variant.
Coding change: c.610+6A>G on transcript NM_018344.6 (MANE Select); 6 bases into the intron after coding-DNA position 610, A replaced by G.
Molecular consequence: intron variant.
Genome position (GRCh38, 1-based): chr10:71,351,794, A>G. VCF-style: chr10-71351794-A-G. GRCh37 (hg19) VCF-style: chr10-73111551-A-G.
Other names: c.376+6A>G (NM_001363518.2); c.610+6A>G (NM_001174098.2).
Identifiers: ClinVar variation 1374761 (VCV001374761.6), dbSNP rs1404531907, ClinGen allele CA594705573.
Genomic context (GRCh38, chr10:71,351,794, plus strand): 5'-ATCTACGGCATGACCGGCTCCTTTCCTATGAGGAACTCCCAGGCACTGATATCAGGTGAG[A>G]GCCAGGGTCCGGGCAGCTGACCAGGTTCATCCACCCAGGAGTCATGGGAGGGAGCCAGAG-3'